The following is an entry in ClinVar:

NM_033026.6(PCLO):c.1891G>T (p.Glu631Ter)

Gene: PCLO (piccolo presynaptic cytomatrix protein; minus strand). Cytogenetic location: 7q21.11.
Variant type: single nucleotide variant.
Coding change: c.1891G>T on transcript NM_033026.6 (MANE Select); coding-DNA position 1891, G replaced by T.
Protein change: p.Glu631Ter; replaces glutamic acid 631 with a stop codon.
Molecular consequence: nonsense.
Genome position (GRCh38, 1-based): chr7:83,154,750, C>A on the plus strand (G>T on the coding strand, the complement: PCLO is on the minus strand). VCF-style: chr7-83154750-C-A. GRCh37 (hg19) VCF-style: chr7-82784066-C-A.
Other names: c.1891G>T, p.Glu631Ter (NM_014510.3); short protein forms E631*.
Identifiers: ClinVar variation 2035770 (VCV002035770.4), dbSNP rs2484897037, ClinGen allele CA367911742.
Genomic context (GRCh38, chr7:83,154,750, plus strand): 5'-TTTGTATAAGAGGATGATATGGCTGAAGAGTATGGACTCAGTGAATAAATGCACTTACCT[C>A]CGTTAAATGAGGATTGGGATTAAAACCACAGAGACTACAGACAGTGGTTTGACACTCAGT-3'

ClinVar aggregate classification (germline): Pathogenic (1 of 4 stars; one submission).

Submission:

Labcorp Genetics (formerly Invitae), Labcorp
Classification: Pathogenic. Last evaluated: 2022-10-16. Review status: criteria provided, single submitter. Criteria: Invitae Variant Classification Sherloc (09022015). Collection method: clinical testing. Allele origin: germline.
Comment: This sequence change creates a premature translational stop signal (p.Glu631*) in the PCLO gene. It is expected to result in an absent or disrupted protein product. Loss-of-function variants in PCLO are known to be pathogenic (PMID: 25832664, 30287594). This variant is not present in population databases (gnomAD no frequency). This variant has not been reported in the literature in individuals affected with PCLO-related conditions. For these reasons, this variant has been classified as Pathogenic.

Literature cited by the submitters: PubMed 25832664; PubMed 30287594.